The following is an entry in ClinVar:

NM_007272.3(CTRC):c.736C>A (p.Arg246Ser)

Gene: CTRC (chymotrypsin C; plus strand). Cytogenetic location: 1p36.21.
Variant type: single nucleotide variant.
Coding change: c.736C>A on transcript NM_007272.3 (MANE Select); coding-DNA position 736, C replaced by A.
Protein change: p.Arg246Ser; replaces arginine 246 with serine.
Molecular consequence: missense variant.
Genome position (GRCh38, 1-based): chr1:15,445,693, C>A. VCF-style: chr1-15445693-C-A. GRCh37 (hg19) VCF-style: chr1-15772188-C-A.
Other names: short protein forms R246S.
Identifiers: ClinVar variation 3837288 (VCV003837288.1).
Genomic context (GRCh38, chr1:15,445,693, plus strand): 5'-AACGGTTCCTGGGAGGTGTTTGGCATCGTCAGCTTTGGCTCCCGGCGGGGCTGCAACACC[C>A]GCAAGAAGCCGGTAGTCTACACCCGGGTGTCCGCCTACATCGACTGGATCAACGAGGTGG-3'
Protein context (NP_009203.2, residues 236-256): SFGSRRGCNT[Arg246Ser]KKPVVYTRVS

ClinVar aggregate classification (germline): Uncertain significance (1 of 4 stars; one submission).

Conditions:
Hereditary pancreatitis (PCTT). Also called: PRSS1-Related Hereditary Pancreatitis; Hereditary chronic pancreatitis. Identifiers: Orphanet 676, MedGen C0238339, MONDO:0008185, OMIM 167800.

Submission:

Ambry Genetics
Classification: Uncertain significance for Hereditary pancreatitis. Last evaluated: 2025-02-04. Review status: criteria provided, single submitter. Criteria: Ambry Variant Classification Scheme 2023. Collection method: clinical testing. Allele origin: germline.
Comment: The p.R246S variant (also known as c.736C>A), located in coding exon 7 of the CTRC gene, results from a C to A substitution at nucleotide position 736. The arginine at codon 246 is replaced by serine, an amino acid with dissimilar properties. This amino acid position is conserved. In addition, this alteration is predicted to be tolerated by in silico analysis. Based on the available evidence, the clinical significance of this variant remains unclear.